The following is an entry in ClinVar:

NM_000388.4(CASR):c.1903A>G (p.Ile635Val)

Gene: CASR (calcium sensing receptor; plus strand). Cytogenetic location: 3q21.1.
Variant type: single nucleotide variant.
Coding change: c.1903A>G on transcript NM_000388.4 (MANE Select); coding-DNA position 1903, A replaced by G.
Protein change: p.Ile635Val; replaces isoleucine 635 with valine.
Molecular consequence: missense variant.
Genome position (GRCh38, 1-based): chr3:122,283,857, A>G. VCF-style: chr3-122283857-A-G. GRCh37 (hg19) VCF-style: chr3-122002704-A-G.
Other names: c.1933A>G, p.Ile645Val (NM_001178065.2); short protein forms I645V, I635V.
Identifiers: ClinVar variation 1446704 (VCV001446704.6), dbSNP rs2074924739, ClinGen allele CA354157908.
Genomic context (GRCh38, chr3:122,283,857, plus strand): 5'-GCACTCACCCTCTTTGCCGTGCTGGGCATTTTCCTGACAGCCTTTGTGCTGGGTGTGTTT[A>G]TCAAGTTCCGCAACACACCCATTGTCAAGGCCACCAACCGAGAGCTCTCCTACCTCCTCC-3'
Protein context (NP_000379.3, residues 625-645): FLTAFVLGVF[Ile635Val]KFRNTPIVKA

ClinVar aggregate classification (germline): Uncertain significance (1 of 4 stars; one submission).

Conditions:
Autosomal dominant hypocalcemia 1 (HYPOC1). Also called: HYPOCALCEMIA, FAMILIAL. Identifiers: MedGen C3715128, MONDO:0011013, OMIM 601198.
Familial hypocalciuric hypercalcemia (FHH). Also called: Familial benign hypercalcemia. Identifiers: Orphanet 405, MedGen C1809471, MONDO:0018458.

Submission:

Labcorp Genetics (formerly Invitae), Labcorp
Classification: Uncertain significance for Familial hypocalciuric hypercalcemia; Autosomal dominant hypocalcemia 1. Last evaluated: 2021-07-28. Review status: criteria provided, single submitter. Criteria: Invitae Variant Classification Sherloc (09022015). Collection method: clinical testing. Allele origin: germline.
Comment: This sequence change replaces isoleucine with valine at codon 635 of the CASR protein (p.Ile635Val). The isoleucine residue is moderately conserved and there is a small physicochemical difference between isoleucine and valine. This variant is not present in population databases (ExAC no frequency). In summary, the available evidence is currently insufficient to determine the role of this variant in disease. Therefore, it has been classified as a Variant of Uncertain Significance. Algorithms developed to predict the effect of missense changes on protein structure and function (SIFT, PolyPhen-2, Align-GVGD) all suggest that this variant is likely to be tolerated. This variant has not been reported in the literature in individuals affected with CASR-related conditions.